The following is an entry in ClinVar:

ClinVar aggregate classification (germline): Uncertain significance (1 of 4 stars; one submission).

Allele frequency attached by ClinVar (database versions not stated): TOPMed below 0.00001; gnomAD 0.00001; gnomAD exomes 0.00001.

Submission:

Labcorp Genetics (formerly Invitae), Labcorp
Classification: Uncertain significance. Last evaluated: 2022-10-15. Review status: criteria provided, single submitter. Criteria: Invitae Variant Classification Sherloc (09022015). Collection method: clinical testing. Allele origin: germline.
Comment: In summary, the available evidence is currently insufficient to determine the role of this variant in disease. Therefore, it has been classified as a Variant of Uncertain Significance. Advanced modeling of protein sequence and biophysical properties (such as structural, functional, and spatial information, amino acid conservation, physicochemical variation, residue mobility, and thermodynamic stability) performed at Invitae indicates that this missense variant is not expected to disrupt MMP13 protein function. This variant has not been reported in the literature in individuals affected with MMP13-related conditions. This variant is not present in population databases (gnomAD no frequency). This sequence change replaces lysine, which is basic and polar, with arginine, which is basic and polar, at codon 304 of the MMP13 protein (p.Lys304Arg).

NM_002427.4(MMP13):c.911A>G (p.Lys304Arg)

Gene: MMP13 (matrix metallopeptidase 13; minus strand). Cytogenetic location: 11q22.2.
Variant type: single nucleotide variant.
Coding change: c.911A>G on transcript NM_002427.4 (MANE Select); coding-DNA position 911, A replaced by G.
Protein change: p.Lys304Arg; replaces lysine 304 with arginine.
Molecular consequence: missense variant.
Genome position (GRCh38, 1-based): chr11:102,950,116, T>C on the plus strand (A>G on the coding strand, the complement: MMP13 is on the minus strand). VCF-style: chr11-102950116-T-C. GRCh37 (hg19) VCF-style: chr11-102820845-T-C.
Other names: short protein forms K304R.
Identifiers: ClinVar variation 1899344 (VCV001899344.5), dbSNP rs1413080061, ClinGen allele CA382228123.